The following is an entry in ClinVar:

NM_002506.3(NGF):c.343A>G (p.Arg115Gly)

Genes: NGF (nerve growth factor; minus strand), NGF-AS1 (NGF antisense RNA 1; plus strand). Cytogenetic location: 1p13.2.
Variant type: single nucleotide variant.
Coding change: c.343A>G on transcript NM_002506.3 (MANE Select); coding-DNA position 343, A replaced by G.
Protein change: p.Arg115Gly; replaces arginine 115 with glycine.
Molecular consequence: missense variant.
Genome position (GRCh38, 1-based): chr1:115,286,453, T>C on the plus strand (A>G on the coding strand, the complement: NGF is on the minus strand). VCF-style: chr1-115286453-T-C. GRCh37 (hg19) VCF-style: chr1-115829074-T-C.
Other names: short protein forms R115G.
Identifiers: ClinVar variation 1513060 (VCV001513060.8), dbSNP rs376618971, ClinGen allele CA1022988.
Genomic context (GRCh38, chr1:115,286,453, plus strand): 5'-CCGAGAATTCGCCCCTGTGGAAGATGGGATGGGATGATGACCGCTTGCTCCTGTGAGTCC[T>C]GTTGAAGGGGGCAGCACCACCGACCTCGAAGTCCAGATCCTGAGTGTCTGCAGCTTCACG-3'
Protein context (NP_002497.2, residues 105-125): FEVGGAAPFN[Arg115Gly]THRSKRSSSH

ClinVar aggregate classification (germline): Uncertain significance (1 of 4 stars; one submission).

Conditions:
Congenital sensory neuropathy with selective loss of small myelinated fibers (HSAN5). Also called: HSAN Type V. Identifiers: Orphanet 64752, MedGen C0020075, MONDO:0012092, OMIM 608654.

Allele frequency attached by ClinVar (database versions not stated): gnomAD exomes 0.00001 and 0.00003; ExAC 0.00002; TOPMed 0.00003; gnomAD 0.00004; ESP Exome Variant Server 0.00008; 1000 Genomes Project 30x 0.00016; 1000 Genomes Project 0.00020.
gnomAD v4.1: 15 of 1,613,484 alleles (0.00093%); highest among the groups gnomAD compares: African/African-American, 0.013%; no homozygotes.

Submission:

Labcorp Genetics (formerly Invitae), Labcorp
Classification: Uncertain significance for Congenital sensory neuropathy with selective loss of small myelinated fibers. Last evaluated: 2021-04-28. Review status: criteria provided, single submitter. Criteria: Invitae Variant Classification Sherloc (09022015). Collection method: clinical testing. Allele origin: germline.
Comment: In summary, the available evidence is currently insufficient to determine the role of this variant in disease. Therefore, it has been classified as a Variant of Uncertain Significance. Algorithms developed to predict the effect of missense changes on protein structure and function are either unavailable or do not agree on the potential impact of this missense change (SIFT: "Deleterious"; PolyPhen-2: "Probably Damaging"; Align-GVGD: "Class C0"). This variant has not been reported in the literature in individuals with NGF-related conditions. This variant is present in population databases (rs376618971, ExAC 0.02%). This sequence change replaces arginine with glycine at codon 115 of the NGF protein (p.Arg115Gly). The arginine residue is highly conserved and there is a moderate physicochemical difference between arginine and glycine.